The following is an entry in ClinVar:

NM_000937.5(POLR2A):c.1023G>A (p.Gln341=)

Gene: POLR2A (RNA polymerase II subunit A; plus strand). Cytogenetic location: 17p13.1.
Variant type: single nucleotide variant.
Coding change: c.1023G>A on transcript NM_000937.5 (MANE Select); coding-DNA position 1023, G replaced by A.
Protein change: p.Gln341=; no amino-acid change (glutamine 341 retained).
Molecular consequence: synonymous variant.
Genome position (GRCh38, 1-based): chr17:7,497,691, G>A. VCF-style: chr17-7497691-G-A. GRCh37 (hg19) VCF-style: chr17-7401010-G-A.
Identifiers: ClinVar variation 2647344 (VCV002647344.25), dbSNP rs147691592, ClinGen allele CA8349344.

ClinVar aggregate classification (germline): Benign/Likely benign. Review status: criteria provided, multiple submitters, no conflicts (2 of 4 stars). 2 submissions from 2 submitters: Benign (1); Likely benign (1). Last evaluated 2024-11-13.

Allele frequency attached by ClinVar (database versions not stated): gnomAD exomes 0.00024; ExAC 0.00083; ESP Exome Variant Server 0.00215; gnomAD 0.00257; 1000 Genomes Project 30x 0.00297; TOPMed 0.00317; 1000 Genomes Project 0.00319.

Submissions (2):

Blueprint Genetics
Classification: Likely benign. Last evaluated: 2024-11-13. Review status: criteria provided, single submitter. Criteria: ACMG Guidelines, 2015. Collection method: clinical testing. Allele origin: germline.

CeGaT Center for Human Genetics Tuebingen
Classification: Benign. Last evaluated: 2023-02-01. Review status: criteria provided, single submitter. Criteria: CeGaT Center For Human Genetics Tuebingen Variant Classification Criteria Version 2. Collection method: clinical testing. Allele origin: germline. Affected: yes. Observed: 1 variant allele.
Comment: POLR2A: BP4, BP7, BS1, BS2